The following is an entry in ClinVar:

NM_003466.4(PAX8):c.31G>A (p.Gly11Arg)

Genes: PAX8 (paired box 8; minus strand), PAX8-AS1 (PAX8 antisense RNA 1; plus strand). Cytogenetic location: 2q14.1.
Variant type: single nucleotide variant.
Coding change: c.31G>A on transcript NM_003466.4 (MANE Select); coding-DNA position 31, G replaced by A.
Protein change: p.Gly11Arg; replaces glycine 11 with arginine.
Molecular consequence: missense variant.
Genome position (GRCh38, 1-based): chr2:113,246,914, C>T on the plus strand (G>A on the coding strand, the complement: PAX8 is on the minus strand). VCF-style: chr2-113246914-C-T. GRCh37 (hg19) VCF-style: chr2-114004491-C-T.
Other names: c.31G>A, p.Gly11Arg (NM_013952.4, NM_013953.4, NM_013992.4); short protein forms G11R.
Identifiers: ClinVar variation 1803582 (VCV001803582.2), dbSNP rs767674493, ClinGen allele CA348303743.

ClinVar aggregate classification (germline): Uncertain significance. Review status: criteria provided, multiple submitters, no conflicts (2 of 4 stars). 2 submissions from 2 submitters: Uncertain significance (2). Last evaluated 2025-08-12.

Conditions:
Inborn genetic diseases. Identifiers: MedGen C0950123, MeSH D030342.

gnomAD v4.1: 1 of 1,613,456 alleles (0.000062%); highest among the groups gnomAD compares: Non-Finnish European, 0.000085%; no homozygotes.

Submissions (2):

Ambry Genetics
Classification: Uncertain significance for Inborn genetic diseases. Last evaluated: 2025-08-12. Review status: criteria provided, single submitter. Criteria: Ambry Variant Classification Scheme 2023. Collection method: clinical testing. Allele origin: germline.

GeneDx
Classification: Uncertain significance. Last evaluated: 2022-05-25. Review status: criteria provided, single submitter. Criteria: GeneDx Variant Classification Process June 2021. Collection method: clinical testing. Allele origin: germline. Affected: yes.
Comment: Not observed at significant frequency in large population cohorts (gnomAD); In silico analysis supports that this missense variant has a deleterious effect on protein structure/function; Has not been previously published as pathogenic or benign to our knowledge